The following is an entry in ClinVar:

ClinVar aggregate classification (germline): Pathogenic (1 of 4 stars; one submission).

Conditions:
Marfan syndrome (MFS). Also called: MARFAN SYNDROME, TYPE I; FBN1-Related Marfan Syndrome; Marfan syndrome, classic; Marfan syndrome type 1; Marfan's syndrome. Identifiers: Orphanet 284963, Orphanet 558, MedGen C0024796, MONDO:0007947, OMIM 154700.
Familial thoracic aortic aneurysm and aortic dissection (TAAD). Also called: Thoracic aortic aneurysms and dissections. Identifiers: Orphanet 91387, MedGen C4707243, MONDO:0019625.

Submission:

Labcorp Genetics (formerly Invitae), Labcorp
Classification: Pathogenic for Marfan syndrome; Familial thoracic aortic aneurysm and aortic dissection. Last evaluated: 2024-05-08. Review status: criteria provided, single submitter. Criteria: Invitae Variant Classification Sherloc (09022015). Collection method: clinical testing. Allele origin: germline.
Comment: This sequence change replaces glutamic acid, which is acidic and polar, with glycine, which is neutral and non-polar, at codon 1852 of the FBN1 protein (p.Glu1852Gly). This variant is not present in population databases (gnomAD no frequency). This missense change has been observed in individual(s) with clinical features of FBN1-related conditions (Invitae). It has also been observed to segregate with disease in related individuals. ClinVar contains an entry for this variant (Variation ID: 220855). Advanced modeling of protein sequence and biophysical properties (such as structural, functional, and spatial information, amino acid conservation, physicochemical variation, residue mobility, and thermodynamic stability) performed at Invitae indicates that this missense variant is expected to disrupt FBN1 protein function with a positive predictive value of 95%. For these reasons, this variant has been classified as Pathogenic.

NM_000138.5(FBN1):c.5555A>G (p.Glu1852Gly)

Gene: FBN1 (fibrillin 1; minus strand). Cytogenetic location: 15q21.1.
Variant type: single nucleotide variant.
Coding change: c.5555A>G on transcript NM_000138.5 (MANE Select); coding-DNA position 5555, A replaced by G.
Protein change: p.Glu1852Gly; replaces glutamic acid 1852 with glycine.
Molecular consequence: missense variant.
Genome position (GRCh38, 1-based): chr15:48,448,884, T>C on the plus strand (A>G on the coding strand, the complement: FBN1 is on the minus strand). VCF-style: chr15-48448884-T-C. GRCh37 (hg19) VCF-style: chr15-48741081-T-C.
Other names: short protein forms E1852G.
Identifiers: ClinVar variation 220855 (VCV000220855.8), dbSNP rs864622676, ClinGen allele CA347974.